The following is an entry in ClinVar:

NM_000059.4(BRCA2):c.8195T>A (p.Leu2732Ter)

Gene: BRCA2 (BRCA2 DNA repair associated; plus strand). Cytogenetic location: 13q13.1.
Variant type: single nucleotide variant.
Coding change: c.8195T>A on transcript NM_000059.4 (MANE Select); coding-DNA position 8195, T replaced by A.
Protein change: p.Leu2732Ter; replaces leucine 2732 with a stop codon.
Molecular consequence: nonsense.
Genome position (GRCh38, 1-based): chr13:32,363,397, T>A. VCF-style: chr13-32363397-T-A. GRCh37 (hg19) VCF-style: chr13-32937534-T-A.
Other names: 8423T-A; short protein forms L2732*.
Identifiers: ClinVar variation 267059 (VCV000267059.9), dbSNP rs397507967, ClinGen allele CA10589471.

ClinVar aggregate classification (germline): Pathogenic. Review status: reviewed by expert panel (3 of 4 stars). 3 submissions from 3 submitters: Pathogenic (1). 2 of the submissions do not count toward it. Last evaluated 2016-10-18.

Conditions:
Breast-ovarian cancer, familial, susceptibility to, 2 (BROVCA2). Also called: BRCA2 Hereditary Breast and Ovarian Cancer. Identifiers: Orphanet 145, MedGen C2675520, MONDO:0012933, OMIM 612555. Disease mechanism: loss of function.
Hereditary cancer-predisposing syndrome. Also called: Hereditary neoplastic syndrome; Neoplastic Syndromes, Hereditary; Tumor predisposition; Hereditary Cancer Syndrome. Identifiers: Orphanet 140162, MedGen C0027672, MeSH D009386, MONDO:0015356.
Malignant tumor of breast. Also called: Malignant breast neoplasm; Cancer breast. Identifiers: MedGen C0006142, MONDO:0007254. Disease mechanism: loss of function.

Submissions (3):

Evidence-based Network for the Interpretation of Germline Mutant Alleles (ENIGMA)
Classification: Pathogenic for Breast-ovarian cancer, familial, susceptibility to, 2. Last evaluated: 2016-10-18. Review status: reviewed by expert panel. Criteria: ENIGMA BRCA1/2 Classification Criteria (2015). Collection method: curation. Allele origin: germline.
Comment: Variant allele predicted to encode a truncated non-functional protein.

Ambry Genetics
Classification: Pathogenic for Hereditary cancer-predisposing syndrome. Last evaluated: 2025-08-27. Review status: criteria provided, single submitter. Criteria: Ambry Variant Classification Scheme 2023. Collection method: clinical testing. Allele origin: germline. Not counted in ClinVar's aggregate classification.
Comment: The p.L2732* pathogenic mutation (also known as c.8195T>A), located in coding exon 17 of the BRCA2 gene, results from a T to A substitution at nucleotide position 8195. This changes the amino acid from a leucine to a stop codon within coding exon 17. This variant was also observed in 1/3251 individuals who met eligibility criteria for hereditary breast and ovarian cancer syndrome (Lerner-Ellis J et al. J Cancer Res Clin Oncol, 2021 Mar;147:871-879). This variant is considered to be rare based on population cohorts in the Genome Aggregation Database (gnomAD). This alteration is expected to result in loss of function by premature protein truncation or nonsense-mediated mRNA decay. As such, this alteration is interpreted as a disease-causing mutation.

Department of Pathology and Laboratory Medicine, Sinai Health System
Classification: Pathogenic for Malignant tumor of breast. Review status: no assertion criteria provided. Collection method: clinical testing. Allele origin: unknown. Affected: yes. Study: The Canadian Open Genetics Repository (COGR). Not counted in ClinVar's aggregate classification.
Comment: The BRCA2 p.Leu2732X variant was identified in 1 of 240 proband chromosomes (frequency: 0.004) from Brazilian individuals or families with HBOC (Silva 2014). The variant was also identified in a case report of 4 Italian double heterozygotes who developed breast carcinomas, the variant co-occurring with a pathogenic BRCA1 variant (945delC, p.H279fsX) in 1 case (Zuradelli 2010). The variant was identified in ClinVar (pathogenic, reviewed by an expert panel (2016); submitter ENIGMA), and was not identified in dbSNP, Clinvitae, Cosmic, MutDB, LOVD 3.0, UMD-LSDB, BIC Database, ARUP Laboratories, Zhejiang Colon Cancer Database, the 1000 Genomes Project, the NHLBI GO Exome Sequencing Project or the Exome Aggregation Consortium (August 8th 2016) control databases. The p.Leu2732X variant leads to a premature stop codon at position 2732, which is predicted to lead to a truncated or absent protein and loss of function. Loss of function variants of the BRCA2 gene are an established mechanism of disease in hereditary breast and ovarian cancer and is the type of variant expected to cause the disorder. In summary, based on the above information this variant meets our laboratoryâ€šÃ„Ã´s criteria to be classified as pathogenic.

Literature cited by the submitters: PubMed 32885271 (cited by Ambry Genetics).